The following is an entry in ClinVar:

NM_004655.4(AXIN2):c.1167C>G (p.His389Gln)

Gene: AXIN2 (axin 2; minus strand). Cytogenetic location: 17q24.1.
Variant type: single nucleotide variant.
Coding change: c.1167C>G on transcript NM_004655.4 (MANE Select); coding-DNA position 1167, C replaced by G.
Protein change: p.His389Gln; replaces histidine 389 with glutamine.
Molecular consequence: missense variant.
Genome position (GRCh38, 1-based): chr17:65,538,236, G>C on the plus strand (C>G on the coding strand, the complement: AXIN2 is on the minus strand). VCF-style: chr17-65538236-G-C. GRCh37 (hg19) VCF-style: chr17-63534354-G-C.
Other names: c.1167C>G, p.His389Gln (NM_001363813.1); short protein forms H389Q.
Identifiers: ClinVar variation 1985447 (VCV001985447.5), dbSNP rs2043978734, ClinGen allele CA400678241.

ClinVar aggregate classification (germline): Uncertain significance. Review status: criteria provided, multiple submitters, no conflicts (2 of 4 stars). 2 submissions from 2 submitters: Uncertain significance (2). Last evaluated 2025-07-02.

Conditions:
Hereditary cancer-predisposing syndrome. Also called: Tumor predisposition; Hereditary neoplastic syndrome; Neoplastic Syndromes, Hereditary; Hereditary Cancer Syndrome. Identifiers: Orphanet 140162, MedGen C0027672, MeSH D009386, MONDO:0015356.
Oligodontia-cancer predisposition syndrome. Also called: TOOTH AGENESIS-COLORECTAL CANCER SYNDROME. Identifiers: Orphanet 300576, MedGen C1837750, MONDO:0012075, OMIM 608615. Disease mechanism: loss of function.

Submissions (2):

Labcorp Genetics (formerly Invitae), Labcorp
Classification: Uncertain significance for Oligodontia-cancer predisposition syndrome. Last evaluated: 2025-07-02. Review status: criteria provided, single submitter. Criteria: Invitae Variant Classification Sherloc (09022015). Collection method: clinical testing. Allele origin: germline.
Comment: This sequence change replaces histidine, which is basic and polar, with glutamine, which is neutral and polar, at codon 389 of the AXIN2 protein (p.His389Gln). This variant is not present in population databases (gnomAD no frequency). This variant has not been reported in the literature in individuals affected with AXIN2-related conditions. ClinVar contains an entry for this variant (Variation ID: 1985447). Invitae Evidence Modeling of protein sequence and biophysical properties (such as structural, functional, and spatial information, amino acid conservation, physicochemical variation, residue mobility, and thermodynamic stability) indicates that this missense variant is not expected to disrupt AXIN2 protein function with a negative predictive value of 80%. In summary, the available evidence is currently insufficient to determine the role of this variant in disease. Therefore, it has been classified as a Variant of Uncertain Significance.

Ambry Genetics
Classification: Uncertain significance for Hereditary cancer-predisposing syndrome. Last evaluated: 2024-05-17. Review status: criteria provided, single submitter. Criteria: Ambry Variant Classification Scheme 2023. Collection method: clinical testing. Allele origin: germline.
Comment: The p.H389Q variant (also known as c.1167C>G), located in coding exon 4 of the AXIN2 gene, results from a C to G substitution at nucleotide position 1167. The histidine at codon 389 is replaced by glutamine, an amino acid with highly similar properties. This amino acid position is conserved. In addition, this alteration is predicted to be tolerated by in silico analysis. Based on the available evidence, the clinical significance of this variant remains unclear.